The following is an entry in ClinVar:

NM_001267550.2(TTN):c.26952del (p.Thr8984_Val8985insTer)

Gene: TTN (titin; minus strand). Cytogenetic location: 2q31.2.
Variant type: Deletion.
Coding change: c.26952del on transcript NM_001267550.2 (MANE Select); coding-DNA position 26952, one base deleted (T; older notation c.26952delT).
Protein change: p.Thr8984_Val8985insTer.
Molecular consequence: frameshift variant. On other transcripts: intron variant (3).
Genome position (GRCh38, 1-based): chr2:178,713,182, A deleted on the plus strand (T on the coding strand, the reverse complement: TTN is on the minus strand). VCF-style (leftmost placement, unchanged base first): chr2-178713181-CA-C. GRCh37 (hg19) VCF-style: chr2-179577908-CA-C.
Other names: c.26001del, p.Thr8667_Val8668insTer (NM_001256850.1); c.23220del, p.Thr7740_Val7741insTer (NM_133378.4); c.13282+24900del (NM_003319.4); c.13858+24900del (NM_133437.4); c.13657+24900del (NM_133432.3).
Identifiers: ClinVar variation 2951788 (VCV002951788.3), dbSNP rs2528949694, ClinGen allele CA2740096253.

ClinVar aggregate classification (germline): Likely pathogenic (1 of 4 stars; one submission).

Conditions:
Dilated cardiomyopathy 1G (CMD1G). Identifiers: Orphanet 154, MedGen C1858763, MONDO:0011400, OMIM 604145.
Autosomal recessive limb-girdle muscular dystrophy type 2J (LGMDR10). Also called: Limb-girdle muscular dystrophy, type 2J; MUSCULAR DYSTROPHY, LIMB-GIRDLE, AUTOSOMAL RECESSIVE 10. Identifiers: Orphanet 140922, MedGen C1837342, MONDO:0012127, OMIM 608807.

Submission:

Labcorp Genetics (formerly Invitae), Labcorp
Classification: Likely pathogenic for Dilated cardiomyopathy 1G; Autosomal recessive limb-girdle muscular dystrophy type 2J. Last evaluated: 2024-10-18. Review status: criteria provided, single submitter. Criteria: Invitae Variant Classification Sherloc (09022015). Collection method: clinical testing. Allele origin: germline.
Comment: This sequence change creates a premature translational stop signal (p.Val8985*) in the TTN gene. While this is not anticipated to result in nonsense mediated decay, it is expected to create a truncated TTN protein. This variant is not present in population databases (gnomAD no frequency). This variant has not been reported in the literature in individuals affected with TTN-related conditions. This variant is located in the I band of TTN (PMID: 25589632). Truncating variants in this region have been reported in individuals affected with autosomal recessive centronuclear myopathy (PMID: 23975875, internal data). Truncating variants in this region have also been identified in individuals affected with autosomal dominant dilated cardiomyopathy and/or cardio-related conditions (PMID: 27869827, 32964742, internal data). In summary, the currently available evidence indicates that the variant is pathogenic, but additional data are needed to prove that conclusively. Therefore, this variant has been classified as Likely Pathogenic.

Literature cited by the submitters: PubMed 25589632; PubMed 23975875; PubMed 27869827; PubMed 32964742.